The following is an entry in ClinVar:

ClinVar aggregate classification (germline): Uncertain significance. Review status: criteria provided, single submitter (1 of 4 stars). 2 submissions from 2 submitters: Uncertain significance (1). 1 of the submissions does not count toward it. Last evaluated 2020-03-26.

Conditions:
Self-limited epilepsy with centrotemporal spikes. Also called: Rolandic epilepsy; Childhood epilepsy with centrotemporal spikes. Identifiers: Orphanet 1945, MedGen C0376532, MONDO:0007295.
Polyhydramnios, megalencephaly, and symptomatic epilepsy (PMSE). Also called: PMSE SYNDROME. Identifiers: Orphanet 500533, MedGen C1970203, MONDO:0012611, OMIM 611087.

Allele frequency attached by ClinVar (database versions not stated): gnomAD exomes 0.00001.
gnomAD v4.1: 7 of 1,614,030 alleles (0.00043%); highest among the groups gnomAD compares: Middle Eastern, 0.016%; no homozygotes.

Submissions (2):

Labcorp Genetics (formerly Invitae), Labcorp
Classification: Uncertain significance for Polyhydramnios, megalencephaly, and symptomatic epilepsy. Last evaluated: 2020-03-26. Review status: criteria provided, single submitter. Criteria: Invitae Variant Classification Sherloc (09022015). Collection method: clinical testing. Allele origin: germline.
Comment: This sequence change replaces serine with isoleucine at codon 60 of the STRADA protein (p.Ser60Ile). The serine residue is moderately conserved and there is a large physicochemical difference between serine and isoleucine. This variant is not present in population databases (ExAC no frequency). This variant has been observed in individual(s) with Rolandic epilepsy (PMID: 29358611). ClinVar contains an entry for this variant (Variation ID: 433135). Algorithms developed to predict the effect of missense changes on protein structure and function are either unavailable or do not agree on the potential impact of this missense change (SIFT: "Tolerated"; PolyPhen-2: "Possibly Damaging"; Align-GVGD: "Class C0"). In summary, the available evidence is currently insufficient to determine the role of this variant in disease. Therefore, it has been classified as a Variant of Uncertain Significance.

Bioinformatics Core, Luxembourg Center for Systems Biomedicine
Classification: Pathogenic for Self-limited epilepsy with centrotemporal spikes. Last evaluated: 2017-01-01. Review status: no assertion criteria provided. Collection method: case-control. Allele origin: germline. Affected: yes. Study: EUROEPINOMICS COGIE. Not counted in ClinVar's aggregate classification.

Literature cited by the submitters: PubMed 29358611 (cited by Labcorp Genetics (formerly Invitae), Labcorp and Bioinformatics Core, Luxembourg Center for Systems Biomedicine).

NM_001003787.4(STRADA):c.179G>T (p.Ser60Ile)

Gene: STRADA (STE20 related adaptor alpha; minus strand). Cytogenetic location: 17q23.3.
Variant type: single nucleotide variant.
Coding change: c.179G>T on transcript NM_001003787.4 (MANE Select); coding-DNA position 179, G replaced by T.
Protein change: p.Ser60Ile; replaces serine 60 with isoleucine.
Molecular consequence: missense variant. On other transcripts: non-coding transcript variant (1), intron variant (1).
Genome position (GRCh38, 1-based): chr17:63,714,053, C>A on the plus strand (G>T on the coding strand, the complement: STRADA is on the minus strand). VCF-style: chr17-63714053-C-A. GRCh37 (hg19) VCF-style: chr17-61791413-C-A.
Other names: c.68G>T, p.Ser23Ile (NM_001003786.3, NM_001363789.1, NM_153335.6); c.5G>T, p.Ser2Ile (NM_001003788.3, NM_001363790.1, NM_001363791.1); c.92G>T, p.Ser31Ile (NM_001165969.2, NM_001363787.1); c.155G>T, p.Ser52Ile (NM_001363786.1); c.179G>T, p.Ser60Ile (NM_001363788.1); c.95-526G>T (NM_001165970.2); short protein forms S60I, S23I, S2I, S31I, S52I.
Identifiers: ClinVar variation 433135 (VCV000433135.8), dbSNP rs56271007, ClinGen allele CA292948710.
Genomic context (GRCh38, chr17:63,714,053, plus strand): 5'-CCCCTGCACATACCTATCACAGTGAGCAGCTCGTAACACCCTCCCTCTGGCAGAAAGCTA[C>A]TCATGACCTCCTGTTTAGAGAAGGATGCTATTGACTCTGAGCTCGCATCATTGGTCTAAA-3'
Protein context (NP_001003787.1, residues 50-70): IASFSKQEVM[Ser60Ile]SFLPEGGCYE